The following is an entry in ClinVar:

NM_001184880.2(PCDH19):c.268G>C (p.Asp90His)

Gene: PCDH19 (protocadherin 19; minus strand). Cytogenetic location: Xq22.1.
Variant type: single nucleotide variant.
Coding change: c.268G>C on transcript NM_001184880.2 (MANE Select); coding-DNA position 268, G replaced by C.
Protein change: p.Asp90His; replaces aspartic acid 90 with histidine.
Molecular consequence: missense variant.
Genome position (GRCh38, 1-based): chrX:100,408,330, C>G on the plus strand (G>C on the coding strand, the complement: PCDH19 is on the minus strand). VCF-style: chrX-100408330-C-G. GRCh37 (hg19) VCF-style: chrX-99663328-C-G.
Other names: c.268G>C, p.Asp90His (NM_001105243.2, NM_020766.3); short protein forms D90H.
Identifiers: ClinVar variation 465301 (VCV000465301.1), dbSNP rs1555985780, ClinGen allele CA414010941.

ClinVar aggregate classification (germline): Likely pathogenic (1 of 4 stars; one submission).

Conditions:
Developmental and epileptic encephalopathy, 9 (DEE9). Also called: Early infantile epileptic encephalopathy 9; EPILEPSY, FEMALE-RESTRICTED, WITH MENTAL RETARDATION; JUBERG-HELLMAN SYNDROME; PCDH19-Related X-Linked Female-Limited Epilepsy with Mental Retardation. Identifiers: Orphanet 101039, Orphanet 2076, MedGen C1848137, MONDO:0010246, OMIM 300088. Disease mechanism: loss of function.

Submission:

Labcorp Genetics (formerly Invitae), Labcorp
Classification: Likely pathogenic for Early infantile epileptic encephalopathy 9. Last evaluated: 2018-06-30. Review status: criteria provided, single submitter. Criteria: Invitae Variant Classification Sherloc (09022015). Collection method: clinical testing. Allele origin: germline.
Comment: This sequence change replaces aspartic acid with histidine at codon 90 of the PCDH19 protein (p.Asp90His). The aspartic acid residue is highly conserved and there is a moderate physicochemical difference between aspartic acid and histidine. This variant is not present in population databases (ExAC no frequency). This variant has been observed to be de novo in individuals affected with clinical features consistent with PCDH19-related disorder (Invitae). Algorithms developed to predict the effect of missense changes on protein structure and function are either unavailable or do not agree on the potential impact of this missense change (SIFT: "Deleterious"; PolyPhen-2: "Probably Damaging"; Align-GVGD: "Class C0"). In summary, the currently available evidence indicates that the variant is pathogenic, but additional data are needed to prove that conclusively. Therefore, this variant has been classified as Likely Pathogenic.